The following is an entry in ClinVar:

NM_000038.6(APC):c.6593T>C (p.Leu2198Ser)

Gene: APC (APC regulator of Wnt signaling pathway; plus strand). Cytogenetic location: 5q22.2.
Variant type: single nucleotide variant.
Coding change: c.6593T>C on transcript NM_000038.6 (MANE Select); coding-DNA position 6593, T replaced by C.
Protein change: p.Leu2198Ser; replaces leucine 2198 with serine.
Molecular consequence: missense variant.
Genome position (GRCh38, 1-based): chr5:112,842,187, T>C. VCF-style: chr5-112842187-T-C. GRCh37 (hg19) VCF-style: chr5-112177884-T-C.
Other names: c.6593T>C, p.Leu2198Ser (NM_001127510.3, NM_001354895.2, NM_001407450.1); c.6539T>C, p.Leu2180Ser (NM_001127511.3); c.6647T>C, p.Leu2216Ser (NM_001354896.2, NM_001407447.1, NM_001407448.1 and 1 more transcripts); c.6623T>C, p.Leu2208Ser (NM_001354897.2); c.6518T>C, p.Leu2173Ser (NM_001354898.2); c.6509T>C, p.Leu2170Ser (NM_001354899.2); c.6470T>C, p.Leu2157Ser (NM_001354900.2); c.6416T>C, p.Leu2139Ser (NM_001354901.2, NM_001407453.1); and 11 more; short protein forms L1915S, L2170S, L2173S, L2198S, L1814S, L2072S, L2097S, L2157S.
Identifiers: ClinVar variation 1754375 (VCV001754375.2), dbSNP rs2149968464, ClinGen allele CA16035758.

ClinVar aggregate classification (germline): Uncertain significance (1 of 4 stars; one submission).

Conditions:
Hereditary cancer-predisposing syndrome. Also called: Neoplastic Syndromes, Hereditary; Tumor predisposition; Hereditary Cancer Syndrome; Hereditary neoplastic syndrome. Identifiers: Orphanet 140162, MedGen C0027672, MeSH D009386, MONDO:0015356.

Submission:

Ambry Genetics
Classification: Uncertain significance for Hereditary cancer-predisposing syndrome. Last evaluated: 2021-12-28. Review status: criteria provided, single submitter. Criteria: Ambry Variant Classification Scheme 2023. Collection method: clinical testing. Allele origin: germline.
Comment: The p.L2198S variant (also known as c.6593T>C), located in coding exon 15 of the APC gene, results from a T to C substitution at nucleotide position 6593. The leucine at codon 2198 is replaced by serine, an amino acid with dissimilar properties. This amino acid position is well conserved in available vertebrate species. In addition, in silico predictors for this gene do not accurately predict pathogenicity. Since supporting evidence is limited at this time, the clinical significance of this alteration remains unclear.